The following is an entry in ClinVar:

NM_031935.3(HMCN1):c.13453C>T (p.Arg4485Trp)

Gene: HMCN1 (hemicentin 1; plus strand). Cytogenetic location: 1q31.1.
Variant type: single nucleotide variant.
Coding change: c.13453C>T on transcript NM_031935.3 (MANE Select); coding-DNA position 13453, C replaced by T.
Protein change: p.Arg4485Trp; replaces arginine 4485 with tryptophan.
Molecular consequence: missense variant.
Genome position (GRCh38, 1-based): chr1:186,136,808, C>T. VCF-style: chr1-186136808-C-T. GRCh37 (hg19) VCF-style: chr1-186105940-C-T.
Other names: short protein forms R4485W.
Identifiers: ClinVar variation 2182164 (VCV002182164.4), dbSNP rs781672541, ClinGen allele CA1294665.
Genomic context (GRCh38, chr1:186,136,808, plus strand): 5'-GGAGAGCCTCAACCAACCATTACATGGTCCCGTCAAGGGCACTCTATTTCCTGGGATGAC[C>T]GGGTTAACGTGTTGTCCAACAACTCATTATATATTGCTGATGCTCAGAAAGAAGATACCT-3'
Protein context (NP_114141.2, residues 4475-4495): RQGHSISWDD[Arg4485Trp]VNVLSNNSLY

ClinVar aggregate classification (germline): Uncertain significance (1 of 4 stars; one submission).

Allele frequency attached by ClinVar (database versions not stated): gnomAD 0.00001; TOPMed 0.00001; ExAC 0.00002.
gnomAD v4.1: 19 of 1,613,846 alleles (0.0012%); highest among the groups gnomAD compares: Middle Eastern, 0.082%; 1 homozygote.

Submission:

Labcorp Genetics (formerly Invitae), Labcorp
Classification: Uncertain significance. Last evaluated: 2025-04-13. Review status: criteria provided, single submitter. Criteria: Invitae Variant Classification Sherloc (09022015). Collection method: clinical testing. Allele origin: germline.
Comment: This sequence change replaces arginine, which is basic and polar, with tryptophan, which is neutral and slightly polar, at codon 4485 of the HMCN1 protein (p.Arg4485Trp). This variant is present in population databases (rs781672541, gnomAD 0.03%). This variant has not been reported in the literature in individuals affected with HMCN1-related conditions. ClinVar contains an entry for this variant (Variation ID: 2182164). An algorithm developed to predict the effect of missense changes on protein structure and function (PolyPhen-2) suggests that this variant is likely to be disruptive. In summary, the available evidence is currently insufficient to determine the role of this variant in disease. Therefore, it has been classified as a Variant of Uncertain Significance.